The following is an entry in ClinVar:

NM_006915.3(RP2):c.1040A>G (p.Gln347Arg)

Gene: RP2 (RP2 activator of ARL3 GTPase; plus strand). Cytogenetic location: Xp11.3.
Variant type: single nucleotide variant.
Coding change: c.1040A>G on transcript NM_006915.3 (MANE Select); coding-DNA position 1040, A replaced by G.
Protein change: p.Gln347Arg; replaces glutamine 347 with arginine.
Molecular consequence: missense variant.
Genome position (GRCh38, 1-based): chrX:46,879,756, A>G. VCF-style: chrX-46879756-A-G. GRCh37 (hg19) VCF-style: chrX-46739191-A-G.
Other names: short protein forms Q347R.
Identifiers: ClinVar variation 4810572 (VCV004810572.1).

ClinVar aggregate classification (germline): Uncertain significance (1 of 4 stars; one submission).

Submission:

Labcorp Genetics (formerly Invitae), Labcorp
Classification: Uncertain significance. Last evaluated: 2025-12-23. Review status: criteria provided, single submitter. Criteria: Invitae Variant Classification Sherloc (09022015). Collection method: clinical testing. Allele origin: germline.
Comment: This sequence change replaces glutamine, which is neutral and polar, with arginine, which is basic and polar, at codon 347 of the RP2 protein (p.Gln347Arg). This variant is not present in population databases (gnomAD no frequency). This variant has not been reported in the literature in individuals affected with RP2-related conditions. Invitae Evidence Modeling of protein sequence and biophysical properties (such as structural, functional, and spatial information, amino acid conservation, physicochemical variation, residue mobility, and thermodynamic stability) has been performed for this missense variant. However, the output from this modeling did not meet the statistical confidence thresholds required to predict the impact of this variant on RP2 protein function. In summary, the available evidence is currently insufficient to determine the role of this variant in disease. Therefore, it has been classified as a Variant of Uncertain Significance.